The following is an entry in ClinVar:

NM_201384.3(PLEC):c.6455C>T (p.Ala2152Val)

Gene: PLEC (plectin; minus strand). Cytogenetic location: 8q24.3.
Variant type: single nucleotide variant.
Coding change: c.6455C>T on transcript NM_201384.3 (MANE Select); coding-DNA position 6455, C replaced by T.
Protein change: p.Ala2152Val; replaces alanine 2152 with valine.
Molecular consequence: missense variant.
Genome position (GRCh38, 1-based): chr8:143,923,474, G>A on the plus strand (C>T on the coding strand, the complement: PLEC is on the minus strand). VCF-style: chr8-143923474-G-A. GRCh37 (hg19) VCF-style: chr8-144997642-G-A.
Other names: c.6536C>T, p.Ala2179Val (NM_000445.5); c.6413C>T, p.Ala2138Val (NM_201378.4); c.6389C>T, p.Ala2130Val (NM_201379.3); c.6866C>T, p.Ala2289Val (NM_201380.4); c.6359C>T, p.Ala2120Val (NM_201381.3); c.6455C>T, p.Ala2152Val (NM_201382.4); c.6467C>T, p.Ala2156Val (NM_201383.3); short protein forms A2130V, A2289V, A2120V, A2138V, A2152V, A2156V, A2179V.
Identifiers: ClinVar variation 538932 (VCV000538932.10), dbSNP rs200758669, ClinGen allele CA4925984.

ClinVar aggregate classification (germline): Uncertain significance. Review status: criteria provided, multiple submitters, no conflicts (2 of 4 stars). 4 submissions from 4 submitters: Uncertain significance (4). Last evaluated 2025-04-08.

Conditions:
Epidermolysis bullosa simplex 5B, with muscular dystrophy (EBS5B). Also called: Epidermolysis bullosa simplex with muscular dystrophy; EPIDERMOLYSIS BULLOSA SIMPLEX AND LIMB-GIRDLE MUSCULAR DYSTROPHY. Identifiers: Orphanet 257, MedGen C2931072, MONDO:0009181, OMIM 226670.
Autosomal recessive limb-girdle muscular dystrophy type 2Q (LGMDR17). Also called: MUSCULAR DYSTROPHY, LIMB-GIRDLE, AUTOSOMAL RECESSIVE 17. Identifiers: Orphanet 254361, MedGen C3150989, MONDO:0013390, OMIM 613723.
Epidermolysis bullosa simplex, Ogna type (EBS5A). Also called: Pidermolysis bullosa simplex 5A, Ogna type; EPIDERMOLYSIS BULLOSA SIMPLEX 5A, OGNA TYPE. Identifiers: Orphanet 79401, MedGen C0432317, MONDO:0007555, OMIM 131950.
Epidermolysis bullosa simplex 5C, with pyloric atresia (EBS5C). Also called: PLEC-Related Epidermolysis Bullosa with Pyloric Atresia; Epidermolysis bullosa simplex with pyloric atresia; PLEC1-Related Epidermolysis Bullosa with Pyloric Atresia. Identifiers: Orphanet 158684, MedGen C2677349, MONDO:0012807, OMIM 612138.
Epidermolysis bullosa simplex with nail dystrophy (EBS5D). Identifiers: MedGen C4225309, MONDO:0014661, OMIM 616487.

Allele frequency attached by ClinVar (database versions not stated): gnomAD 0.00006; TOPMed 0.00006; ExAC 0.00009.
gnomAD v4.1: 98 of 1,601,036 alleles (0.0061%); highest among the groups gnomAD compares: Non-Finnish European, 0.0071%; no homozygotes.

Submissions (4):

Labcorp Genetics (formerly Invitae), Labcorp
Classification: Uncertain significance for Autosomal recessive limb-girdle muscular dystrophy type 2Q; Epidermolysis bullosa simplex, Ogna type; Epidermolysis bullosa simplex with nail dystrophy; Epidermolysis bullosa simplex 5C, with pyloric atresia; Epidermolysis bullosa simplex 5B, with muscular dystrophy. Last evaluated: 2025-04-08. Review status: criteria provided, single submitter. Criteria: Invitae Variant Classification Sherloc (09022015). Collection method: clinical testing. Allele origin: germline.
Comment: This sequence change replaces alanine, which is neutral and non-polar, with valine, which is neutral and non-polar, at codon 2179 of the PLEC protein (p.Ala2179Val). This variant is present in population databases (rs200758669, gnomAD 0.01%). This variant has not been reported in the literature in individuals affected with PLEC-related conditions. ClinVar contains an entry for this variant (Variation ID: 538932). An algorithm developed to predict the effect of missense changes on protein structure and function (PolyPhen-2) suggests that this variant is likely to be tolerated. In summary, the available evidence is currently insufficient to determine the role of this variant in disease. Therefore, it has been classified as a Variant of Uncertain Significance.

Revvity Omics, Revvity
Classification: Uncertain significance. Last evaluated: 2024-11-04. Review status: criteria provided, single submitter. Criteria: ACMG Guidelines, 2015. Collection method: clinical testing. Allele origin: germline.

Blueprint Genetics
Classification: Uncertain significance. Last evaluated: 2024-06-12. Review status: criteria provided, single submitter. Criteria: ACMG Guidelines, 2015. Collection method: clinical testing. Allele origin: germline.

Baylor Genetics
Classification: Uncertain significance for Epidermolysis bullosa simplex with nail dystrophy. Last evaluated: 2020-01-22. Review status: criteria provided, single submitter. Criteria: ACMG Guidelines, 2015. Collection method: clinical testing. Allele origin: unknown. Affected: yes.
Comment: This variant was determined to be of uncertain significance according to ACMG Guidelines, 2015 [PMID:25741868].